The following is an entry in ClinVar:

NM_001367624.2(ZNF469):c.1005G>A (p.Leu335=)

Gene: ZNF469 (zinc finger protein 469; plus strand). Cytogenetic location: 16q24.2.
Variant type: single nucleotide variant.
Coding change: c.1005G>A on transcript NM_001367624.2 (MANE Select); coding-DNA position 1005, G replaced by A.
Protein change: p.Leu335=; no amino-acid change (leucine 335 retained).
Molecular consequence: synonymous variant.
Genome position (GRCh38, 1-based): chr16:88,428,475, G>A. VCF-style: chr16-88428475-G-A. GRCh37 (hg19) VCF-style: chr16-88494883-G-A.
Identifiers: ClinVar variation 511296 (VCV000511296.1), dbSNP rs1555518581, ClinGen allele CA497351847.

ClinVar aggregate classification (germline): Likely benign (1 of 4 stars; one submission).

gnomAD v4.1: 1 of 1,549,182 alleles (0.000065%); no homozygotes.

Submission:

GeneDx
Classification: Likely benign. Last evaluated: 2017-08-10. Review status: criteria provided, single submitter. Criteria: GeneDx Variant Classification (06012015). Collection method: clinical testing. Allele origin: germline. Affected: yes.
Comment: This variant is considered likely benign or benign based on one or more of the following criteria: it is a conservative change, it occurs at a poorly conserved position in the protein, it is predicted to be benign by multiple in silico algorithms, and/or has population frequency not consistent with disease.